The following is an entry in ClinVar:

ClinVar aggregate classification (germline): Uncertain significance. Review status: criteria provided, multiple submitters, no conflicts (2 of 4 stars). 3 submissions from 3 submitters: Uncertain significance (3). Last evaluated 2025-10-09.

Conditions:
TJP2-related disorder. Also called: TJP2-related condition.
Inborn genetic diseases. Identifiers: MedGen C0950123, MeSH D030342.

gnomAD v4.1: 2 of 1,614,214 alleles (0.00012%); highest among the groups gnomAD compares: Admixed American, 0.0033%; no homozygotes.

Submissions (3):

PreventionGenetics, part of Exact Sciences
Classification: Uncertain significance for TJP2-related condition. Last evaluated: 2025-10-09. Review status: criteria provided, single submitter. Criteria: ACMG Guidelines, 2015. Collection method: clinical testing. Allele origin: germline.
Comment: The TJP2 c.2780G>A variant is predicted to result in the amino acid substitution p.Gly927Asp. To our knowledge, this variant has not been reported in the literature. This variant is reported in 0.0029% of alleles in individuals of Latino descent in gnomAD. At this time, the clinical significance of this variant is uncertain due to the absence of conclusive functional and genetic evidence.

Ambry Genetics
Classification: Uncertain significance for Inborn genetic diseases. Last evaluated: 2025-06-18. Review status: criteria provided, single submitter. Criteria: Ambry Variant Classification Scheme 2023. Collection method: clinical testing. Allele origin: germline.

GeneDx
Classification: Uncertain significance. Last evaluated: 2024-04-10. Review status: criteria provided, single submitter. Criteria: GeneDx Variant Classification Process June 2021. Collection method: clinical testing. Allele origin: germline. Affected: yes.
Comment: Not observed at significant frequency in large population cohorts (gnomAD); In silico analysis indicates that this missense variant does not alter protein structure/function; Has not been previously published as pathogenic or benign to our knowledge

NM_004817.4(TJP2):c.2780G>A (p.Gly927Asp)

Gene: TJP2 (tight junction protein 2; plus strand). Cytogenetic location: 9q21.11.
Variant type: single nucleotide variant.
Coding change: c.2780G>A on transcript NM_004817.4 (MANE Select); coding-DNA position 2780, G replaced by A.
Protein change: p.Gly927Asp; replaces glycine 927 with aspartic acid.
Molecular consequence: missense variant. On other transcripts: intron variant (1).
Genome position (GRCh38, 1-based): chr9:69,248,124, G>A. VCF-style: chr9-69248124-G-A. GRCh37 (hg19) VCF-style: chr9-71863040-G-A.
Other names: c.2711G>A, p.Gly904Asp (NM_001170414.2, NM_001369871.1); c.2792G>A, p.Gly931Asp (NM_001170415.1, NM_001369874.1, NM_001369875.1); c.2873G>A, p.Gly958Asp (NM_001170416.2); c.2705G>A, p.Gly902Asp (NM_001369870.1); c.2780G>A, p.Gly927Asp (NM_001369872.1, NM_201629.3); c.2667+1334G>A (NM_001369873.1); short protein forms G902D, G904D, G927D, G931D, G958D.
Identifiers: ClinVar variation 3372287 (VCV003372287.3).